The following is an entry in ClinVar:

ClinVar aggregate classification (germline): Uncertain significance (1 of 4 stars; one submission).

Conditions:
Neuropathy, hereditary sensory and autonomic, type 2A (HSAN2A). Also called: ACROOSTEOLYSIS, GIACCAI TYPE; ACROOSTEOLYSIS, NEUROGENIC; MORVAN DISEASE; NEUROPATHY, CONGENITAL SENSORY; NEUROPATHY, HEREDITARY SENSORY RADICULAR, AUTOSOMAL RECESSIVE; NEUROPATHY, HEREDITARY SENSORY, TYPE IIA. Identifiers: Orphanet 970, MedGen C2752089, MONDO:0024309, OMIM 201300.
Generalized epilepsy with febrile seizures plus, type 7 (GEFSP7). Also called: GEFS+, TYPE 7. Identifiers: Orphanet 36387, MedGen C2751778, MONDO:0013470, OMIM 613863.

Allele frequency attached by ClinVar (database versions not stated): gnomAD exomes below 0.00001.
gnomAD v4.1: 4 of 1,614,006 alleles (0.00025%); highest among the groups gnomAD compares: Non-Finnish European, 0.00025%; no homozygotes.

Submission:

Labcorp Genetics (formerly Invitae), Labcorp
Classification: Uncertain significance for Neuropathy, hereditary sensory and autonomic, type 2A; Generalized epilepsy with febrile seizures plus, type 7. Last evaluated: 2023-09-10. Review status: criteria provided, single submitter. Criteria: Invitae Variant Classification Sherloc (09022015). Collection method: clinical testing. Allele origin: germline.
Comment: This sequence change replaces arginine, which is basic and polar, with cysteine, which is neutral and slightly polar, at codon 1611 of the SCN9A protein (p.Arg1611Cys). This variant is present in population databases (no rsID available, gnomAD 0.0009%). This variant has not been reported in the literature in individuals affected with SCN9A-related conditions. Advanced modeling of protein sequence and biophysical properties (such as structural, functional, and spatial information, amino acid conservation, physicochemical variation, residue mobility, and thermodynamic stability) has been performed at Invitae for this missense variant, however the output from this modeling did not meet the statistical confidence thresholds required to predict the impact of this variant on SCN9A protein function. In summary, the available evidence is currently insufficient to determine the role of this variant in disease. Therefore, it has been classified as a Variant of Uncertain Significance.

NM_001365536.1(SCN9A):c.4864C>T (p.Arg1622Cys)

Genes: SCN9A (sodium voltage-gated channel alpha subunit 9; minus strand), SCN1A-AS1 (SCN1A and SCN9A antisense RNA 1; plus strand). Cytogenetic location: 2q24.3.
Variant type: single nucleotide variant.
Coding change: c.4864C>T on transcript NM_001365536.1 (MANE Select); coding-DNA position 4864, C replaced by T.
Protein change: p.Arg1622Cys; replaces arginine 1622 with cysteine.
Molecular consequence: missense variant. On other transcripts: non-coding transcript variant (1).
Genome position (GRCh38, 1-based): chr2:166,199,775, G>A on the plus strand (C>T on the coding strand, the complement: SCN9A is on the minus strand). VCF-style: chr2-166199775-G-A. GRCh37 (hg19) VCF-style: chr2-167056285-G-A.
Other names: c.4831C>T, p.Arg1611Cys (NM_002977.4); short protein forms R1611C, R1622C.
Identifiers: ClinVar variation 2937719 (VCV002937719.3), dbSNP rs1270673434, ClinGen allele CA349055364.